The following is an entry in ClinVar:

NM_005188.4(CBL):c.*1158A>G

Gene: CBL (Cbl proto-oncogene; plus strand). Cytogenetic location: 11q23.3.
Variant type: single nucleotide variant.
Coding change: c.*1158A>G on transcript NM_005188.4 (MANE Select); 1158 bases downstream of the stop codon, A replaced by G.
Molecular consequence: 3 prime UTR variant.
Genome position (GRCh38, 1-based): chr11:119,300,939, A>G. VCF-style: chr11-119300939-A-G. GRCh37 (hg19) VCF-style: chr11-119171649-A-G.
Identifiers: ClinVar variation 302802 (VCV000302802.5), dbSNP rs560822342, ClinGen allele CA10637854.

ClinVar aggregate classification (germline): Benign (1 of 4 stars; one submission).

Conditions:
CBL-related disorder. Also called: NOONAN SYNDROME-LIKE DISORDER WITHOUT JUVENILE MYELOMONOCYTIC LEUKEMIA; CBL MUTATION-ASSOCIATED SYNDROME; CBL SYNDROME. Identifiers: Orphanet 363972, MedGen C3150803, MONDO:0013308, OMIM 613563.

Allele frequency attached by ClinVar (database versions not stated): gnomAD 0.00010 and 0.00014; TOPMed 0.00015; 1000 Genomes Project 30x 0.00062; gnomAD exomes 0.00071; 1000 Genomes Project 0.00080.
gnomAD v4.1: 86 of 245,160 alleles (0.035%); highest among the groups gnomAD compares: East Asian, 0.44%; no homozygotes.

Submission:

Illumina Laboratory Services, Illumina
Classification: Benign for CBL-related disorder. Last evaluated: 2018-01-12. Review status: criteria provided, single submitter. Criteria: ICSL Variant Classification Criteria 13 December 2019. Collection method: clinical testing. Allele origin: germline.
Comment: This variant was observed in the ICSL laboratory as part of a predisposition screen in an ostensibly healthy population. It had not been previously curated by ICSL or reported in the Human Gene Mutation Database (HGMD: prior to June 1st, 2018), and was therefore a candidate for classification through an automated scoring system. Utilizing variant allele frequency, disease prevalence and penetrance estimates, and inheritance mode, an automated score was calculated to assess if this variant is too frequent to cause the disease. Based on the score and internal cut-off values, a variant classified as benign is not then subjected to further curation. The score for this variant resulted in a classification of benign for this disease.